The following is an entry in ClinVar:

NM_019842.4(KCNQ5):c.2216C>A (p.Ala739Glu)

Gene: KCNQ5 (potassium voltage-gated channel subfamily Q member 5; plus strand). Cytogenetic location: 6q13.
Variant type: single nucleotide variant.
Coding change: c.2216C>A on transcript NM_019842.4 (MANE Select); coding-DNA position 2216, C replaced by A.
Protein change: p.Ala739Glu; replaces alanine 739 with glutamic acid.
Molecular consequence: missense variant.
Genome position (GRCh38, 1-based): chr6:73,194,831, C>A. VCF-style: chr6-73194831-C-A. GRCh37 (hg19) VCF-style: chr6-73904554-C-A.
Other names: c.2273C>A (NM_001160133.1); c.2189C>A, p.Ala730Glu (NM_001160130.2); c.2246C>A, p.Ala749Glu (NM_001160132.2); c.2273C>A, p.Ala758Glu (NM_001160133.2); c.1886C>A, p.Ala629Glu (NM_001160134.2); short protein forms A629E, A739E, A758E, A730E, A749E.
Identifiers: ClinVar variation 1355850 (VCV001355850.9), dbSNP rs768143725, ClinGen allele CA364695499.

ClinVar aggregate classification (germline): Uncertain significance. Review status: criteria provided, multiple submitters, no conflicts (2 of 4 stars). 2 submissions from 2 submitters: Uncertain significance (2). Last evaluated 2024-06-14.

Allele frequency attached by ClinVar (database versions not stated): gnomAD 0.00001.
gnomAD v4.1: 1 of 1,614,082 alleles (0.000062%); highest among the groups gnomAD compares: African/African-American, 0.0013%; no homozygotes.

Submissions (2):

GeneDx
Classification: Uncertain significance. Last evaluated: 2024-06-14. Review status: criteria provided, single submitter. Criteria: GeneDx Variant Classification Process June 2021. Collection method: clinical testing. Allele origin: germline. Affected: yes.
Comment: Not observed at significant frequency in large population cohorts (gnomAD); In silico analysis indicates that this missense variant does not alter protein structure/function; Has not been previously published as pathogenic or benign to our knowledge

Labcorp Genetics (formerly Invitae), Labcorp
Classification: Uncertain significance. Last evaluated: 2023-10-06. Review status: criteria provided, single submitter. Criteria: Invitae Variant Classification Sherloc (09022015). Collection method: clinical testing. Allele origin: germline.
Comment: This sequence change replaces alanine, which is neutral and non-polar, with glutamic acid, which is acidic and polar, at codon 758 of the KCNQ5 protein (p.Ala758Glu). This variant is not present in population databases (gnomAD no frequency). This variant has not been reported in the literature in individuals affected with KCNQ5-related conditions. ClinVar contains an entry for this variant (Variation ID: 1355850). Advanced modeling of protein sequence and biophysical properties (such as structural, functional, and spatial information, amino acid conservation, physicochemical variation, residue mobility, and thermodynamic stability) performed at Invitae indicates that this missense variant is not expected to disrupt KCNQ5 protein function. In summary, the available evidence is currently insufficient to determine the role of this variant in disease. Therefore, it has been classified as a Variant of Uncertain Significance.